The following is an entry in ClinVar:

ClinVar aggregate classification (germline): Uncertain significance. Review status: criteria provided, multiple submitters, no conflicts (2 of 4 stars). 4 submissions from 4 submitters: Uncertain significance (4). Last evaluated 2025-07-02.

Conditions:
Hypertrophic cardiomyopathy 2. Also called: TNNT2-Related Familial Hypertrophic Cardiomyopathy. Identifiers: MedGen C1861864, MONDO:0007266, OMIM 115195.
Cardiomyopathy, familial restrictive, 3. Identifiers: Orphanet 75249, MedGen C2676271, MONDO:0012900, OMIM 612422.
Dilated cardiomyopathy 1D. Identifiers: Orphanet 154, Orphanet 54260, MedGen C1832243, MONDO:0011095, OMIM 601494.

Submissions (4):

Labcorp Genetics (formerly Invitae), Labcorp
Classification: Uncertain significance for Cardiomyopathy, familial restrictive, 3; Hypertrophic cardiomyopathy 2; Dilated cardiomyopathy 1D. Last evaluated: 2025-07-02. Review status: criteria provided, single submitter. Criteria: Invitae Variant Classification Sherloc (09022015). Collection method: clinical testing. Allele origin: germline.
Comment: This sequence change replaces lysine, which is basic and polar, with glutamic acid, which is acidic and polar, at codon 282 of the TNNT2 protein (p.Lys282Glu). This variant is not present in population databases (gnomAD no frequency). This missense change has been observed in individual(s) with hypertrophic cardiomyopathy (PMID: 35626289, 36578016). ClinVar contains an entry for this variant (Variation ID: 469533). Invitae Evidence Modeling of protein sequence and biophysical properties (such as structural, functional, and spatial information, amino acid conservation, physicochemical variation, residue mobility, and thermodynamic stability) indicates that this missense variant is expected to disrupt TNNT2 protein function with a positive predictive value of 95%. In summary, the available evidence is currently insufficient to determine the role of this variant in disease. Therefore, it has been classified as a Variant of Uncertain Significance.

GeneDx
Classification: Uncertain significance. Last evaluated: 2024-06-18. Review status: criteria provided, single submitter. Criteria: GeneDx Variant Classification Process June 2021. Collection method: clinical testing. Allele origin: germline. Affected: yes.
Comment: Not observed at significant frequency in large population cohorts (gnomAD); In silico analysis supports that this missense variant has a deleterious effect on protein structure/function; This variant is associated with the following publications: (PMID: 35626289, 36578016)

Neuberg Centre For Genomic Medicine, NCGM
Classification: Uncertain significance for Dilated cardiomyopathy 1D. Last evaluated: 2023-05-20. Review status: criteria provided, single submitter. Criteria: ACMG Guidelines, 2015. Collection method: clinical testing. Allele origin: germline. Inheritance: Autosomal dominant inheritance. Affected: yes.
Comment: The observed missense c.874A>G(p.Lys292Glu) variant in TNNT2 gene has not been reported previously as a pathogenic variant nor as a benign variant, to our knowledge. This variant is absent in gnomAD Exomes. This variant has been reported to the ClinVar database as Uncertain Significance. However, no details are available for independent assessment. The amino acid Lys at position 292 is changed to a Glu changing protein sequence and it might alter its composition and physico-chemical properties. The amino acid change p.Lys292Glu in TNNT2 is predicted as conserved by GERP++ and PhyloP across 100 vertebrates. Multiple lines of computational evidence (Polyphen - Possibly Damaging, SIFT - Damaging, and MutationTaster - Disease causing) predict a damaging effect on protein structure and function for this variant. For these reasons, this variant has been classified as Uncertain Significance.

Blueprint Genetics
Classification: Uncertain significance. Last evaluated: 2021-03-26. Review status: criteria provided, single submitter. Criteria: ACMG Guidelines, 2015. Collection method: clinical testing. Allele origin: germline.

Literature cited by the submitters: PubMed 35626289 (cited by Labcorp Genetics (formerly Invitae), Labcorp); PubMed 36578016 (cited by Labcorp Genetics (formerly Invitae), Labcorp).

NM_001276345.2(TNNT2):c.874A>G (p.Lys292Glu)

Gene: TNNT2 (troponin T2, cardiac type; minus strand). Cytogenetic location: 1q32.1.
Variant type: single nucleotide variant.
Coding change: c.874A>G on transcript NM_001276345.2 (MANE Select); coding-DNA position 874, A replaced by G.
Protein change: p.Lys292Glu; replaces lysine 292 with glutamic acid.
Molecular consequence: missense variant.
Genome position (GRCh38, 1-based): chr1:201,359,233, T>C on the plus strand (A>G on the coding strand, the complement: TNNT2 is on the minus strand). VCF-style: chr1-201359233-T-C. GRCh37 (hg19) VCF-style: chr1-201328361-T-C.
Other names: c.865A>G, p.Lys289Glu (NM_000364.4); c.844A>G, p.Lys282Glu (NM_001001430.3, NM_001276347.2); c.835A>G, p.Lys279Glu (NM_001001431.3); c.826A>G, p.Lys276Glu (NM_001001432.3); c.745A>G, p.Lys249Glu (NM_001276346.2); c.844A>G (NM_001001430.1); short protein forms K289E, K282E, K249E, K276E, K279E, K292E.
Identifiers: ClinVar variation 469533 (VCV000469533.11), dbSNP rs1553279043, ClinGen allele CA344201861.